The following is an entry in ClinVar:

ClinVar aggregate classification (germline): Likely benign (1 of 4 stars; one submission).

Conditions:
MRAP2-related disorder. Also called: MRAP2-related condition.

gnomAD v4.1: 4 of 1,613,700 alleles (0.00025%); highest among the groups gnomAD compares: Admixed American, 0.0067%; no homozygotes.

Submission:

PreventionGenetics, part of Exact Sciences
Classification: Likely benign for MRAP2-related condition. Last evaluated: 2025-03-21. Review status: criteria provided, single submitter. Criteria: ACMG Guidelines, 2015. Collection method: clinical testing. Allele origin: germline.
Comment: This variant is classified as likely benign based on ACMG/AMP sequence variant interpretation guidelines (Richards et al. 2015 PMID: 25741868, with internal and published modifications).

NM_138409.4(MRAP2):c.39G>A (p.Gln13=)

Gene: MRAP2 (melanocortin 2 receptor accessory protein 2; plus strand). Cytogenetic location: 6q14.2.
Variant type: single nucleotide variant.
Coding change: c.39G>A on transcript NM_138409.4 (MANE Select); coding-DNA position 39, G replaced by A.
Protein change: p.Gln13=; no amino-acid change (glutamine 13 retained).
Molecular consequence: synonymous variant. On other transcripts: 5 prime UTR variant (2).
Genome position (GRCh38, 1-based): chr6:84,055,357, G>A. VCF-style: chr6-84055357-G-A. GRCh37 (hg19) VCF-style: chr6-84765076-G-A.
Other names: c.-120G>A (NM_001346541.2); c.39G>A, p.Gln13= (NM_001346542.2, NM_001346544.2); c.-221G>A (NM_001346543.2).
Identifiers: ClinVar variation 4999646 (VCV004999646.1).
Genomic context (GRCh38, chr6:84,055,357, plus strand): 5'-TCTCCATTTGTGCAGGTCGGAGATGTCCGCCCAGAGGTTAATTTCTAACAGAACCTCCCA[G>A]CAATCGGCATCTAATTCTGATTACACCTGGGAATATGAATATTATGAGATTGGACCAGTT-3'
Protein context (NP_612418.2, residues 3-23): AQRLISNRTS[Gln13=]QSASNSDYTW